The following is an entry in ClinVar:

NM_002609.4(PDGFRB):c.620A>G (p.Tyr207Cys)

Gene: PDGFRB (platelet derived growth factor receptor beta; minus strand). Cytogenetic location: 5q32.
Variant type: single nucleotide variant.
Coding change: c.620A>G on transcript NM_002609.4 (MANE Select); coding-DNA position 620, A replaced by G.
Protein change: p.Tyr207Cys; replaces tyrosine 207 with cysteine.
Molecular consequence: missense variant.
Genome position (GRCh38, 1-based): chr5:150,134,761, T>C on the plus strand (A>G on the coding strand, the complement: PDGFRB is on the minus strand). VCF-style: chr5-150134761-T-C. GRCh37 (hg19) VCF-style: chr5-149514324-T-C.
Other names: c.428A>G, p.Tyr143Cys (NM_001355016.2); c.103A>G, p.Thr35Ala (NM_001355017.2); short protein forms Y143C, Y207C, T35A.
Identifiers: ClinVar variation 4979134 (VCV004979134.1).
Genomic context (GRCh38, chr5:150,134,761, plus strand): 5'-GAGGGTTATACTTGCCTCTGCTGAGCATCAGGCCAGAAAGGGGGCTCACCCTGGAGTCTG[T>C]AGACATAGTAGGCATCAGAATCCACCTCCCTGTCCCCAATGGTGGTTTTGCAGATGTAGC-3'
Protein context (NP_002600.1, residues 197-217): REVDSDAYYV[Tyr207Cys]RLQVSSINVS

ClinVar aggregate classification (germline): Uncertain significance (1 of 4 stars; one submission).

Conditions:
PDGFRB-related disorder. Also called: PDGFRB-related condition.

gnomAD v4.1: 6 of 1,612,486 alleles (0.00037%); highest among the groups gnomAD compares: Non-Finnish European, 0.00051%; no homozygotes.

Submission:

PreventionGenetics, part of Exact Sciences
Classification: Uncertain significance for PDGFRB-related condition. Last evaluated: 2025-07-22. Review status: criteria provided, single submitter. Criteria: ACMG Guidelines, 2015. Collection method: clinical testing. Allele origin: germline.
Comment: The PDGFRB c.620A>G variant is predicted to result in the amino acid substitution p.Tyr207Cys. To our knowledge, this variant has not been reported in the literature. This variant is reported in 0.00088% of alleles in individuals of European (Non-Finnish) descent in gnomAD. At this time, the clinical significance of this variant is uncertain due to the absence of conclusive functional and genetic evidence.